The following is an entry in ClinVar:

ClinVar aggregate classification (germline): Uncertain significance (1 of 4 stars; one submission).

Submission:

Labcorp Genetics (formerly Invitae), Labcorp
Classification: Uncertain significance. Last evaluated: 2021-11-06. Review status: criteria provided, single submitter. Criteria: Invitae Variant Classification Sherloc (09022015). Collection method: clinical testing. Allele origin: germline.
Comment: This variant is not present in population databases (gnomAD no frequency). This sequence change replaces glutamine, which is neutral and polar, with proline, which is neutral and non-polar, at codon 335 of the TYRP1 protein (p.Gln335Pro). In summary, the available evidence is currently insufficient to determine the role of this variant in disease. Therefore, it has been classified as a Variant of Uncertain Significance. Algorithms developed to predict the effect of missense changes on protein structure and function (SIFT, PolyPhen-2, Align-GVGD) all suggest that this variant is likely to be tolerated. This variant has not been reported in the literature in individuals affected with TYRP1-related conditions.

NM_000550.3(TYRP1):c.1004A>C (p.Gln335Pro)

Genes: LURAP1L-AS1 (LURAP1L antisense RNA 1; minus strand), TYRP1 (tyrosinase related protein 1; plus strand). Cytogenetic location: 9p23.
Variant type: single nucleotide variant.
Coding change: c.1004A>C on transcript NM_000550.3 (MANE Select); coding-DNA position 1004, A replaced by C.
Protein change: p.Gln335Pro; replaces glutamine 335 with proline.
Molecular consequence: missense variant.
Genome position (GRCh38, 1-based): chr9:12,702,361, A>C. VCF-style: chr9-12702361-A-C. GRCh37 (hg19) VCF-style: chr9-12702361-A-C.
Other names: short protein forms Q335P.
Identifiers: ClinVar variation 1349173 (VCV001349173.6), dbSNP rs2118248632, ClinGen allele CA372941731.